The following is an entry in ClinVar:

ClinVar aggregate classification (germline): Uncertain significance (1 of 4 stars; one submission).

Conditions:
Inborn genetic diseases. Identifiers: MedGen C0950123, MeSH D030342.

gnomAD v4.1: 1 of 1,198,410 alleles (0.000083%); no homozygotes.

Submission:

Ambry Genetics
Classification: Uncertain significance for Inborn genetic diseases. Last evaluated: 2017-03-31. Review status: criteria provided, single submitter. Criteria: Ambry Variant Classification Scheme 2023. Collection method: clinical testing. Allele origin: germline.
Comment: The c.-4C>T variant is located in the 5' untranslated region (5&rsquo; UTR) of the UBE2A gene. This variant results from a C to T substitution 4 bases upstream from the first translated codon. This nucleotide position is not well conserved in available vertebrate species. Since supporting evidence is limited at this time, the clinical significance of this alteration remains unclear.

NM_003336.4(UBE2A):c.-4C>T

Gene: UBE2A (ubiquitin conjugating enzyme E2 A; plus strand). Cytogenetic location: Xq24.
Variant type: single nucleotide variant.
Coding change: c.-4C>T on transcript NM_003336.4 (MANE Select); 4 bases upstream of the start codon, C replaced by T.
Molecular consequence: 5 prime UTR variant.
Genome position (GRCh38, 1-based): chrX:119,574,708, C>T. VCF-style: chrX-119574708-C-T. GRCh37 (hg19) VCF-style: chrX-118708671-C-T.
Other names: c.-96C>T (NM_001282161.2); c.-4C>T (NM_181762.3).
Identifiers: ClinVar variation 588920 (VCV000588920.5), dbSNP rs1569405231, ClinGen allele CA891844337.